The following is an entry in ClinVar:

ClinVar aggregate classification (germline): Uncertain significance (1 of 4 stars; one submission).

Submission:

GeneDx
Classification: Uncertain significance. Last evaluated: 2024-09-12. Review status: criteria provided, single submitter. Criteria: GeneDx Variant Classification Process June 2021. Collection method: clinical testing. Allele origin: germline. Affected: yes.
Comment: Not observed at significant frequency in large population cohorts (gnomAD); In silico analysis supports that this missense variant has a deleterious effect on protein structure/function; In silico analysis supports a deleterious effect on splicing; Has not been previously published as pathogenic or benign to our knowledge

NM_000352.6(ABCC8):c.4087C>T (p.His1363Tyr)

Gene: ABCC8 (ATP binding cassette subfamily C member 8; minus strand). Cytogenetic location: 11p15.1.
Variant type: single nucleotide variant.
Coding change: c.4087C>T on transcript NM_000352.6 (MANE Select); coding-DNA position 4087, C replaced by T.
Protein change: p.His1363Tyr; replaces histidine 1363 with tyrosine.
Molecular consequence: missense variant. On other transcripts: non-coding transcript variant (1).
Genome position (GRCh38, 1-based): chr11:17,396,948, G>A on the plus strand (C>T on the coding strand, the complement: ABCC8 is on the minus strand). VCF-style: chr11-17396948-G-A. GRCh37 (hg19) VCF-style: chr11-17418495-G-A.
Other names: c.4090C>T, p.His1364Tyr (NM_001287174.3); c.4153C>T, p.His1385Tyr (NM_001351295.2); c.4087C>T, p.His1363Tyr (NM_001351296.2); c.4084C>T, p.His1362Tyr (NM_001351297.2); short protein forms H1362Y, H1363Y, H1364Y, H1385Y.
Identifiers: ClinVar variation 3769687 (VCV003769687.1).